The following is an entry in ClinVar:

NM_053025.4(MYLK):c.2011T>C (p.Phe671Leu)

Gene: MYLK (myosin light chain kinase; minus strand). Cytogenetic location: 3q21.1.
Variant type: single nucleotide variant.
Coding change: c.2011T>C on transcript NM_053025.4 (MANE Select); coding-DNA position 2011, T replaced by C.
Protein change: p.Phe671Leu; replaces phenylalanine 671 with leucine.
Molecular consequence: missense variant.
Genome position (GRCh38, 1-based): chr3:123,708,827, A>G on the plus strand (T>C on the coding strand, the complement: MYLK is on the minus strand). VCF-style: chr3-123708827-A-G. GRCh37 (hg19) VCF-style: chr3-123427674-A-G.
Other names: c.1483T>C, p.Phe495Leu (NM_001321309.2); c.1804T>C, p.Phe602Leu (NM_053026.4, NM_053028.4); c.2011T>C, p.Phe671Leu (NM_053027.4); short protein forms F671L, F602L, F495L.
Identifiers: ClinVar variation 4708207 (VCV004708207.1).
Genomic context (GRCh38, chr3:123,708,827, plus strand): 5'-CCGTGTCCTCCGGGAACACTTCCTGGATACAAAGGCTGTGCTGAGTTCCTCTCTGTTCAA[A>G]GTGGAAGTCCTCTGACTCTTGGATCTCATTCCCATTGTGCAGCCAGATGACTTCAGGGGG-3'
Protein context (NP_444253.3, residues 661-681): NEIQESEDFH[Phe671Leu]EQRGTQHSLC

ClinVar aggregate classification (germline): Uncertain significance (1 of 4 stars; one submission).

Conditions:
Aortic aneurysm, familial thoracic 7 (AAT7). Also called: AORTIC DISSECTION, FAMILIAL, WITH OR WITHOUT AORTIC ANEURYSM. Identifiers: MedGen C3151077, MONDO:0013418, OMIM 613780.

Submission:

Labcorp Genetics (formerly Invitae), Labcorp
Classification: Uncertain significance for Aortic aneurysm, familial thoracic 7. Last evaluated: 2025-07-18. Review status: criteria provided, single submitter. Criteria: Invitae Variant Classification Sherloc (09022015). Collection method: clinical testing. Allele origin: germline.
Comment: This sequence change replaces phenylalanine, which is neutral and non-polar, with leucine, which is neutral and non-polar, at codon 671 of the MYLK protein (p.Phe671Leu). This variant is not present in population databases (gnomAD no frequency). This variant has not been reported in the literature in individuals affected with MYLK-related conditions. Invitae Evidence Modeling of protein sequence and biophysical properties (such as structural, functional, and spatial information, amino acid conservation, physicochemical variation, residue mobility, and thermodynamic stability) indicates that this missense variant is not expected to disrupt MYLK protein function with a negative predictive value of 80%. In summary, the available evidence is currently insufficient to determine the role of this variant in disease. Therefore, it has been classified as a Variant of Uncertain Significance.